The following is an entry in ClinVar:

ClinVar aggregate classification (germline): Benign/Likely benign. Review status: criteria provided, multiple submitters, no conflicts (2 of 4 stars). 7 submissions from 7 submitters: Benign (5); Likely benign (1). 1 of the submissions does not count toward it. Last evaluated 2025-12-13.

Conditions:
SALL1-related disorder. Also called: SALL1-related condition.
Townes syndrome (TBS). Also called: Townes-Brocks syndrome. Identifiers: Orphanet 857, MedGen C0265246, MeSH C536974, MONDO:0007142.
Townes-Brocks syndrome 1 (TBS1). Also called: SALL1-Related Townes-Brocks Syndrome; REAR SYNDROME; RENAL-EAR-ANAL-RADIAL SYNDROME; DEAFNESS, SENSORINEURAL, WITH IMPERFORATE ANUS AND THUMB ANOMALIES. Identifiers: Orphanet 857, MedGen C4551481, MONDO:0054581, OMIM 107480.

Allele frequency attached by ClinVar (database versions not stated): gnomAD exomes 0.00141; ExAC 0.00156; TOPMed 0.00164; 1000 Genomes Project 30x 0.00375; 1000 Genomes Project 0.00379.

Submissions (7):

Labcorp Genetics (formerly Invitae), Labcorp
Classification: Benign for Townes syndrome. Last evaluated: 2025-12-13. Review status: criteria provided, single submitter. Criteria: Invitae Variant Classification Sherloc (09022015). Collection method: clinical testing. Allele origin: germline.

CeGaT Center for Human Genetics Tuebingen
Classification: Benign. Last evaluated: 2023-07-01. Review status: criteria provided, single submitter. Criteria: CeGaT Center For Human Genetics Tuebingen Variant Classification Criteria Version 2. Collection method: clinical testing. Allele origin: germline. Affected: yes. Observed: 3 variant alleles.
Comment: SALL1: BP4, BP7, BS1, BS2

Fulgent Genetics
Classification: Likely benign for Townes-Brocks syndrome 1. Last evaluated: 2021-07-30. Review status: criteria provided, single submitter. Criteria: ACMG Guidelines, 2015. Collection method: clinical testing. Allele origin: unknown.

GeneDx
Classification: Benign. Last evaluated: 2019-05-31. Review status: criteria provided, single submitter. Criteria: GeneDx Variant Classification Process June 2021. Collection method: clinical testing. Allele origin: germline. Affected: yes.

Genetic Services Laboratory, University of Chicago
Classification: Benign. Last evaluated: 2017-08-24. Review status: criteria provided, single submitter. Criteria: ACMG Guidelines, 2015. Collection method: clinical testing. Allele origin: germline. Affected: no.

Breakthrough Genomics
Classification: Benign. Review status: criteria provided, single submitter. Criteria: ACMG Guidelines, 2015. Collection method: not provided. Allele origin: germline. Inheritance: Autosomal dominant inheritance. Affected: yes.

PreventionGenetics, part of Exact Sciences
Classification: Benign for SALL1-related condition. Last evaluated: 2019-05-08. Review status: no assertion criteria provided. Collection method: clinical testing. Allele origin: germline. Not counted in ClinVar's aggregate classification.
Comment: This variant is classified as benign based on ACMG/AMP sequence variant interpretation guidelines (Richards et al. 2015 PMID: 25741868, with internal and published modifications).

NM_002968.3(SALL1):c.3942C>T (p.Phe1314=)

Gene: SALL1 (spalt like transcription factor 1; minus strand). Cytogenetic location: 16q12.1.
Variant type: single nucleotide variant.
Coding change: c.3942C>T on transcript NM_002968.3 (MANE Select); coding-DNA position 3942, C replaced by T.
Protein change: p.Phe1314=; no amino-acid change (phenylalanine 1314 retained).
Molecular consequence: synonymous variant.
Genome position (GRCh38, 1-based): chr16:51,137,145, G>A on the plus strand (C>T on the coding strand, the complement: SALL1 is on the minus strand). VCF-style: chr16-51137145-G-A. GRCh37 (hg19) VCF-style: chr16-51171056-G-A.
Other names: c.3651C>T, p.Phe1217= (NM_001127892.2).
Identifiers: ClinVar variation 319597 (VCV000319597.47), dbSNP rs189411650, ClinGen allele CA8052802.